The following is an entry in ClinVar:

ClinVar aggregate classification (germline): Conflicting classifications of pathogenicity. Review status: criteria provided, conflicting classifications (1 of 4 stars). 2 submissions from 2 submitters: Likely pathogenic (1); Uncertain significance (1). Last evaluated 2023-09-15.

Conditions:
Autoimmune lymphoproliferative syndrome type 1. Also called: AUTOIMMUNE LYMPHOPROLIFERATIVE SYNDROME, TYPE I, AUTOSOMAL DOMINANT. Identifiers: Orphanet 3261, MedGen C2717884, MONDO:0011158, OMIM 601859.
Inborn genetic diseases. Identifiers: MedGen C0950123, MeSH D030342.

Submissions (2):

Ambry Genetics
Classification: Uncertain significance for Inborn genetic diseases. Last evaluated: 2023-09-15. Review status: criteria provided, single submitter. Criteria: Ambry Variant Classification Scheme 2023. Collection method: clinical testing. Allele origin: germline.
Comment: The c.30+2T>C intronic variant results from a T to C substitution two nucleotide after coding exon 1 of the FAS gene. Alterations that disrupt the canonical splice site are expected to cause aberrant splicing, resulting in an abnormal protein or a transcript that is subject to nonsense-mediated mRNA decay; however, +2T>C alterations are capable of generating wild-type transcripts in some genomic contexts and should be interpreted with caution (Lin, 2019). This variant was not reported in population-based cohorts in the Genome Aggregation Database (gnomAD). Another alteration impacting the same donor site (c.30+1G>A) has been detected in the heterozygous state in a family with autoimmune lymphoproliferative syndrome (Fuchs, 2009). This nucleotide position is well conserved in available vertebrate species. In silico splice site analysis predicts that this alteration will weaken the native splice donor site. Based on insufficient or conflicting evidence, the clinical significance of this alteration remains unclear.

Labcorp Genetics (formerly Invitae), Labcorp
Classification: Likely pathogenic for Autoimmune lymphoproliferative syndrome. Last evaluated: 2022-10-04. Review status: criteria provided, single submitter. Criteria: Invitae Variant Classification Sherloc (09022015). Collection method: clinical testing. Allele origin: germline.
Comment: This sequence change affects a donor splice site in intron 1 of the FAS gene. It is expected to disrupt RNA splicing. Variants that disrupt the donor or acceptor splice site typically lead to a loss of protein function (PMID: 16199547), and loss-of-function variants in FAS are known to be pathogenic (PMID: 10875918, 22237435). This variant is not present in population databases (gnomAD no frequency). This variant has not been reported in the literature in individuals affected with FAS-related conditions. Algorithms developed to predict the effect of sequence changes on RNA splicing suggest that this variant may disrupt the consensus splice site. In summary, the currently available evidence indicates that the variant is pathogenic, but additional data are needed to prove that conclusively. Therefore, this variant has been classified as Likely Pathogenic.

Literature cited by the submitters: PubMed 18948840 (cited by Ambry Genetics); PubMed 31131953 (cited by Ambry Genetics); PubMed 16199547 (cited by Labcorp Genetics (formerly Invitae), Labcorp); PubMed 10875918 (cited by Labcorp Genetics (formerly Invitae), Labcorp); PubMed 22237435 (cited by Labcorp Genetics (formerly Invitae), Labcorp).

NM_000043.6(FAS):c.30+2T>C

Genes: ACTA2 (actin alpha 2, smooth muscle; minus strand), FAS (Fas cell surface death receptor; plus strand). Cytogenetic location: 10q23.31.
Variant type: single nucleotide variant.
Coding change: c.30+2T>C on transcript NM_000043.6 (MANE Select); the canonical splice donor site of the intron after coding-DNA position 30, T replaced by C.
Molecular consequence: splice donor variant. On other transcripts: intron variant (7).
Genome position (GRCh38, 1-based): chr10:88,990,908, T>C. VCF-style: chr10-88990908-T-C. GRCh37 (hg19) VCF-style: chr10-90750665-T-C.
Other names: c.-24+114A>G (NM_001406467.1, NM_001320855.2); c.-182+114A>G (NM_001406462.1); c.-24+31A>G (NM_001406468.1, NM_001406471.1, NM_001141945.3); c.-182+31A>G (NM_001406463.1); c.30+2T>C (NM_152872.4, NM_001320619.2, NM_152871.4).
Identifiers: ClinVar variation 2034063 (VCV002034063.5), dbSNP rs2494797733, ClinGen allele CA377505859.